The following is an entry in ClinVar:

ClinVar aggregate classification (germline): Conflicting classifications of pathogenicity. Review status: criteria provided, conflicting classifications (1 of 4 stars). 2 submissions from 2 submitters: Uncertain significance (1); Likely benign (1). Last evaluated 2024-07-12.

Conditions:
Familial thoracic aortic aneurysm and aortic dissection (TAAD). Also called: Thoracic aortic aneurysms and dissections. Identifiers: Orphanet 91387, MedGen C4707243, MONDO:0019625.
Oto-palato-digital syndrome, type II (OPD2). Also called: FACIOPALATOOSSEOUS SYNDROME; OPD II SYNDROME; Otopalatodigital Syndrome Type 2 (FLNA-OPD2); Otopalatodigital Syndrome, Type II. Identifiers: Orphanet 669, Orphanet 90652, MedGen C1844696, MONDO:0010571, OMIM 304120.
Heterotopia, periventricular, X-linked dominant (PVNH1). Also called: PERIVENTRICULAR NODULAR HETEROTOPIA 1; X-linked periventricular heterotopia; PERIVENTRICULAR NODULAR HETEROTOPIA 4; HETEROTOPIA, PERIVENTRICULAR, 1. Identifiers: Orphanet 2149, Orphanet 82004, MedGen C1848213, MONDO:0010233, OMIM 300049.
Melnick-Needles syndrome (MNS). Also called: MELNICK-NEEDLES OSTEODYSPLASTY; OSTEODYSPLASTY OF MELNICK AND NEEDLES; Melnick-Needles Syndrome (FLNA-MNS). Identifiers: Orphanet 2484, MedGen C0025237, MONDO:0010650, OMIM 309350.
Frontometaphyseal dysplasia (FMD1). Identifiers: Orphanet 1826, MedGen C0265293, MONDO:0015942.

Submissions (2):

Labcorp Genetics (formerly Invitae), Labcorp
Classification: Likely benign for Oto-palato-digital syndrome, type II; Heterotopia, periventricular, X-linked dominant; Frontometaphyseal dysplasia; Melnick-Needles syndrome. Last evaluated: 2024-07-12. Review status: criteria provided, single submitter. Criteria: Invitae Variant Classification Sherloc (09022015). Collection method: clinical testing. Allele origin: germline.

Ambry Genetics
Classification: Uncertain significance for Familial thoracic aortic aneurysm and aortic dissection. Last evaluated: 2023-05-28. Review status: criteria provided, single submitter. Criteria: Ambry Variant Classification Scheme 2023. Collection method: clinical testing. Allele origin: germline.
Comment: The c.6387G>A variant (also known as p.E2129E), located in coding exon 38 of the FLNA gene, results from a G to A substitution at nucleotide position 6387. This nucleotide substitution does not change the glutamic acid at codon 2129. This nucleotide position is well conserved in available vertebrate species. In silico splice site analysis for this alteration is inconclusive. Since supporting evidence is limited at this time, the clinical significance of this alteration remains unclear.

NM_001110556.2(FLNA):c.6411G>A (p.Glu2137=)

Gene: FLNA (filamin A; minus strand). Cytogenetic location: Xq28.
Variant type: single nucleotide variant.
Coding change: c.6411G>A on transcript NM_001110556.2 (MANE Select); coding-DNA position 6411, G replaced by A.
Protein change: p.Glu2137=; no amino-acid change (glutamic acid 2137 retained).
Molecular consequence: synonymous variant.
Genome position (GRCh38, 1-based): chrX:154,352,644, C>T on the plus strand (G>A on the coding strand, the complement: FLNA is on the minus strand). VCF-style: chrX-154352644-C-T. GRCh37 (hg19) VCF-style: chrX-153581012-C-T.
Other names: c.6387G>A, p.Glu2129= (NM_001456.4).
Identifiers: ClinVar variation 2564322 (VCV002564322.4), dbSNP rs2522721656, ClinGen allele CA519706546.